The following is an entry in ClinVar:

NM_001367561.1(DOCK7):c.4713C>T (p.His1571=)

Gene: DOCK7 (dedicator of cytokinesis 7; minus strand). Cytogenetic location: 1p31.3.
Variant type: single nucleotide variant.
Coding change: c.4713C>T on transcript NM_001367561.1 (MANE Select); coding-DNA position 4713, C replaced by T.
Protein change: p.His1571=; no amino-acid change (histidine 1571 retained).
Molecular consequence: synonymous variant.
Genome position (GRCh38, 1-based): chr1:62,504,681, G>A on the plus strand (C>T on the coding strand, the complement: DOCK7 is on the minus strand). VCF-style: chr1-62504681-G-A. GRCh37 (hg19) VCF-style: chr1-62970352-G-A.
Other names: c.4686C>T, p.His1562= (NM_001271999.2, NM_001330614.2); c.4593C>T, p.His1531= (NM_001272000.2, NM_001272001.2); c.4620C>T, p.His1540= (NM_033407.4).
Identifiers: ClinVar variation 475154 (VCV000475154.17), dbSNP rs149949352, ClinGen allele CA885628.

ClinVar aggregate classification (germline): Benign/Likely benign. Review status: criteria provided, multiple submitters, no conflicts (2 of 4 stars). 3 submissions from 3 submitters: Benign (1); Likely benign (2). Last evaluated 2026-02-01.

Conditions:
Developmental and epileptic encephalopathy, 23 (DEE23). Also called: Epileptic encephalopathy, early infantile, 23. Identifiers: Orphanet 411986, MedGen C4014492, MONDO:0014371, OMIM 615859.

Allele frequency attached by ClinVar (database versions not stated): gnomAD 0.00053 and 0.00058; 1000 Genomes Project 0.00080; TOPMed 0.00083; 1000 Genomes Project 30x 0.00094; ESP Exome Variant Server 0.00100.
gnomAD v4.1: 202 of 1,614,058 alleles (0.013%); highest among the groups gnomAD compares: African/African-American, 0.22%; no homozygotes.

Submissions (3):

CeGaT Center for Human Genetics Tuebingen
Classification: Likely benign. Last evaluated: 2026-02-01. Review status: criteria provided, single submitter. Criteria: CeGaT Center For Human Genetics Tuebingen Variant Classification Criteria Version 2. Collection method: clinical testing. Allele origin: germline. Affected: yes. Observed: 1 variant allele.
Comment: DOCK7: BP4, BP7

Labcorp Genetics (formerly Invitae), Labcorp
Classification: Benign for Developmental and epileptic encephalopathy, 23. Last evaluated: 2025-12-21. Review status: criteria provided, single submitter. Criteria: Invitae Variant Classification Sherloc (09022015). Collection method: clinical testing. Allele origin: germline.

Women's Health and Genetics/Laboratory Corporation of America, LabCorp
Classification: Likely benign. Last evaluated: 2024-07-09. Review status: criteria provided, single submitter. Criteria: LabCorp Variant Classification Summary - May 2015. Collection method: clinical testing. Allele origin: germline.